The following is an entry in ClinVar:

NM_194302.4(CFAP65):c.5153T>G (p.Phe1718Cys)

Genes: CFAP65 (cilia and flagella associated protein 65; minus strand), CFAP65-AS1 (CFAP65 antisense RNA 1; plus strand). Cytogenetic location: 2q35.
Variant type: single nucleotide variant.
Coding change: c.5153T>G on transcript NM_194302.4 (MANE Select); coding-DNA position 5153, T replaced by G.
Protein change: p.Phe1718Cys; replaces phenylalanine 1718 with cysteine.
Molecular consequence: missense variant.
Genome position (GRCh38, 1-based): chr2:219,004,354, A>C on the plus strand (T>G on the coding strand, the complement: CFAP65 is on the minus strand). VCF-style: chr2-219004354-A-C. GRCh37 (hg19) VCF-style: chr2-219869076-A-C.
Other names: short protein forms F1718C.
Identifiers: ClinVar variation 3052947 (VCV003052947.2), dbSNP rs138227108, ClinGen allele CA2114725.
Genomic context (GRCh38, chr2:219,004,354, plus strand): 5'-CAGCTGCTGGAGGGTACAGGCAGGATTGGCATTAAGTACAGGCTGTTTTTCTGGTCCATG[A>C]ACTTAGTTGACTGCTCATTCCAGAATTGGCGGAAGTACGGCACCTGCTCCACCAGGCTTT-3'
Protein context (NP_919278.2, residues 1708-1728): RQFWNEQSTK[Phe1718Cys]MDQKNSLYLM

ClinVar aggregate classification (germline): Likely benign (0 of 4 stars; one submission).

Conditions:
CFAP65-related disorder. Also called: CFAP65-related condition.

Allele frequency attached by ClinVar (database versions not stated): gnomAD exomes 0.00008; ExAC 0.00026; 1000 Genomes Project 0.00060; ESP Exome Variant Server 0.00077; gnomAD 0.00086; TOPMed 0.00094.

Submission:

PreventionGenetics, part of Exact Sciences
Classification: Likely benign for CFAP65-related condition. Last evaluated: 2023-01-13. Review status: no assertion criteria provided. Collection method: clinical testing. Allele origin: germline.
Comment: This variant is classified as likely benign based on ACMG/AMP sequence variant interpretation guidelines (Richards et al. 2015 PMID: 25741868, with internal and published modifications).